The following is an entry in ClinVar:

ClinVar aggregate classification (germline): Uncertain significance. Review status: criteria provided, multiple submitters, no conflicts (2 of 4 stars). 3 submissions from 3 submitters: Uncertain significance (3). Last evaluated 2024-12-05.

Conditions:
Cardiovascular phenotype. Identifiers: MedGen CN230736.
Cardiac arrhythmia. Also called: Arrhythmia; Cardiac rhythm disease. Identifiers: MedGen C0003811, MONDO:0007263, HP:0011675.
Brugada syndrome 7 (BRGDA7). Identifiers: Orphanet 130, MedGen C2751088, MONDO:0013146, OMIM 613120.

Allele frequency attached by ClinVar (database versions not stated): gnomAD 0.00001; gnomAD exomes 0.00001 and 0.00002; TOPMed 0.00001; ExAC 0.00002; ESP Exome Variant Server 0.00008.
gnomAD v4.1: 18 of 1,614,050 alleles (0.0011%); highest among the groups gnomAD compares: Non-Finnish European, 0.0015%; no homozygotes.

Submissions (3):

Ambry Genetics
Classification: Uncertain significance for Cardiovascular phenotype. Last evaluated: 2024-12-05. Review status: criteria provided, single submitter. Criteria: Ambry Variant Classification Scheme 2023. Collection method: clinical testing. Allele origin: germline.
Comment: The p.R132W variant (also known as c.394C>T), located in coding exon 3 of the SCN3B gene, results from a C to T substitution at nucleotide position 394. The arginine at codon 132 is replaced by tryptophan, an amino acid with dissimilar properties. This amino acid position is conserved. In addition, the in silico prediction for this alteration is inconclusive. Since supporting evidence is limited at this time, the clinical significance of this alteration remains unclear.

Labcorp Genetics (formerly Invitae), Labcorp
Classification: Uncertain significance for Brugada syndrome 7. Last evaluated: 2024-11-04. Review status: criteria provided, single submitter. Criteria: Invitae Variant Classification Sherloc (09022015). Collection method: clinical testing. Allele origin: germline.
Comment: This sequence change replaces arginine, which is basic and polar, with tryptophan, which is neutral and slightly polar, at codon 132 of the SCN3B protein (p.Arg132Trp). This variant is present in population databases (rs371558196, gnomAD 0.004%). This variant has not been reported in the literature in individuals affected with SCN3B-related conditions. ClinVar contains an entry for this variant (Variation ID: 646266). An algorithm developed to predict the effect of missense changes on protein structure and function (PolyPhen-2) suggests that this variant is likely to be disruptive. In summary, the available evidence is currently insufficient to determine the role of this variant in disease. Therefore, it has been classified as a Variant of Uncertain Significance.

Petrovsky National Research Centre of Surgery, The Federal Agency for Scientific Organizations
Classification: Uncertain significance for Cardiac arrhythmia. Last evaluated: 2021-12-17. Review status: criteria provided, single submitter. Criteria: ACMG Guidelines, 2015. Collection method: clinical testing. Allele origin: unknown. Affected: yes. Observed: 1 heterozygote.
Comment: This variant is considered to be rare, and several resources predict deleterious effect. However, there is no data supporting pathogenicity of the variant. Therefore, we classify this variant as a variant of uncertain significance.

Literature cited by the submitters: DOI 10.1016/j.bbrc.2005.05.054 (cited by Petrovsky National Research Centre of Surgery, The Federal Agency for Scientific Organizations).

NM_001040151.2(SCN3B):c.394C>T (p.Arg132Trp)

Gene: SCN3B (sodium voltage-gated channel beta subunit 3; minus strand). Cytogenetic location: 11q24.1.
Variant type: single nucleotide variant.
Coding change: c.394C>T on transcript NM_001040151.2 (MANE Select); coding-DNA position 394, C replaced by T.
Protein change: p.Arg132Trp; replaces arginine 132 with tryptophan.
Molecular consequence: missense variant.
Genome position (GRCh38, 1-based): chr11:123,642,497, G>A on the plus strand (C>T on the coding strand, the complement: SCN3B is on the minus strand). VCF-style: chr11-123642497-G-A. GRCh37 (hg19) VCF-style: chr11-123513205-G-A.
Other names: p.R132W; c.394C>T, p.Arg132Trp (NM_018400.4); short protein forms R132W.
Identifiers: ClinVar variation 646266 (VCV000646266.14), dbSNP rs371558196, ClinGen allele CA6334028.
Genomic context (GRCh38, chr11:123,642,497, plus strand): 5'-CAGCCTCACCCTCCTCGGTGACTCTTAGGGGGATCAGCCGCGTCGTCTTCACAAAGGGCC[G>A]ATGCGCCTCAAACTCAAACTCCCGGGACACATTGCAGGTGTAGAGGCCAGAGTCGTTCAG-3'
Protein context (NP_001035241.1, residues 122-142): VSREFEFEAH[Arg132Trp]PFVKTTRLIP